The following is an entry in ClinVar:

ClinVar aggregate classification (germline): Uncertain significance (1 of 4 stars; one submission).

Conditions:
Epilepsy, childhood absence, susceptibility to, 6. Identifiers: Orphanet 64280, MedGen C2749872, MONDO:0012763, OMIM 611942.

gnomAD v4.1: 6 of 1,611,560 alleles (0.00037%); highest among the groups gnomAD compares: Non-Finnish European, 0.00034%; no homozygotes.

Submission:

Victorian Clinical Genetics Services, Murdoch Childrens Research Institute
Classification: Uncertain significance for Epilepsy, childhood absence, susceptibility to, 6. Last evaluated: 2019-08-28. Review status: criteria provided, single submitter. Criteria: ACMG Guidelines, 2015. Collection method: clinical testing. Allele origin: germline. Inheritance: Autosomal dominant inheritance. Affected: yes.
Comment: A heterozygous nonsense variant, NM_021098.2(CACNA1H):c.4717C>T, has been identified in exon 25 of 35 of the CACNA1H gene. This nonsense variant is predicted to create a change of arginine to a stop at amino acid position 1573 of the protein, NP_066921.2(CACNA1h):p.(Arg1573*), resulting in the loss of normal protein function through nonsense-mediated decay (NMD). The variant is absent in the gnomAD population database. This variant has not been previously reported in clinical cases. Based on the information available at the time of curation, this variant has been classified as VARIANT of UNCERTAIN SIGNIFICANCE (VUS).

NM_021098.3(CACNA1H):c.4717C>T (p.Arg1573Ter)

Gene: CACNA1H (calcium voltage-gated channel subunit alpha1 H; plus strand). Cytogenetic location: 16p13.3.
Variant type: single nucleotide variant.
Coding change: c.4717C>T on transcript NM_021098.3 (MANE Select); coding-DNA position 4717, C replaced by T.
Protein change: p.Arg1573Ter; replaces arginine 1573 with a stop codon.
Molecular consequence: nonsense.
Genome position (GRCh38, 1-based): chr16:1,212,096, C>T. VCF-style: chr16-1212096-C-T. GRCh37 (hg19) VCF-style: chr16-1262096-C-T.
Other names: c.4717C>T, p.Arg1573Ter (NM_001005407.2); short protein forms R1573*.
Identifiers: ClinVar variation 1698982 (VCV001698982.3), dbSNP rs1567543511, ClinGen allele CA394181110.